The following is an entry in ClinVar:

NM_000283.4(PDE6B):c.2021+4C>T

Gene: PDE6B (phosphodiesterase 6B; plus strand). Cytogenetic location: 4p16.3.
Variant type: single nucleotide variant.
Coding change: c.2021+4C>T on transcript NM_000283.4 (MANE Select); 4 bases into the intron after coding-DNA position 2021, C replaced by T.
Molecular consequence: intron variant.
Genome position (GRCh38, 1-based): chr4:663,874, C>T. VCF-style: chr4-663874-C-T. GRCh37 (hg19) VCF-style: chr4-657663-C-T.
Other names: c.2021+4C>T (NM_001145291.2); c.1184+4C>T (NM_001379246.1, NM_001379247.1, NM_001145292.2 and 1 more transcripts); c.866+4C>T (NM_001350155.3).
Identifiers: ClinVar variation 3771901 (VCV003771901.13).

ClinVar aggregate classification (germline): Uncertain significance (1 of 4 stars; one submission).

gnomAD v4.1: 1 of 1,598,018 alleles (0.000063%); highest among the groups gnomAD compares: Non-Finnish European, 0.000085%; no homozygotes.

Submission:

CeGaT Center for Human Genetics Tuebingen
Classification: Uncertain significance. Last evaluated: 2025-02-01. Review status: criteria provided, single submitter. Criteria: CeGaT Center For Human Genetics Tuebingen Variant Classification Criteria Version 2. Collection method: clinical testing. Allele origin: germline. Affected: yes. Observed: 1 variant allele.
Comment: PDE6B: PM2, PP3